The following is an entry in ClinVar:

ClinVar aggregate classification (germline): Uncertain significance (1 of 4 stars; one submission).

Conditions:
Malignant hyperthermia, susceptibility to, 1 (MHS1). Also called: Anesthesia related hyperthermia; Malignant hyperpyrexia; Fulminating hyperpyrexia; Pharmacogenic myopathy; RYR1-Related Malignant Hyperthermia Susceptibility; Malignant hyperthermia suceptibility 1. Identifiers: Orphanet 423, MedGen C2930980, MONDO:0007783, OMIM 145600.

Allele frequency attached by ClinVar (database versions not stated): TOPMed below 0.00001; ExAC 0.00001; gnomAD 0.00001.
gnomAD v4.1: 3 of 1,612,444 alleles (0.00019%); highest among the groups gnomAD compares: Admixed American, 0.0017%; no homozygotes.

Submission:

All of Us Research Program, National Institutes of Health
Classification: Uncertain significance for Malignant hyperthermia, susceptibility to, 1. Last evaluated: 2023-07-19. Review status: criteria provided, single submitter. Criteria: ACMG Guidelines, 2015. Collection method: clinical testing. Allele origin: germline. Inheritance: Autosomal dominant inheritance. Observed: 1 variant allele, 1 heterozygote.
Comment: This missense variant replaces proline with leucine at codon 1803 of the RYR1 protein. Computational prediction suggests that this variant may not impact protein structure and function (internally defined REVEL score threshold <= 0.5, PMID: 27666373). To our knowledge, functional studies have not been reported for this variant. This variant has not been reported in individuals affected with RYR1-related disorders in the literature. This variant has been identified in 2/240400 chromosomes in the general population by the Genome Aggregation Database (gnomAD). The available evidence is insufficient to determine the role of this variant in disease conclusively. Therefore, this variant is classified as a Variant of Uncertain Significance.

This study involves interpretation of variants in research participants for the purpose of population health screening. Participant phenotype was not available at the time of variant classification. Additional details can be found in publication PMID: 35346344, PMCID: PMC8962531

NM_000540.3(RYR1):c.5408C>T (p.Pro1803Leu)

Gene: RYR1 (ryanodine receptor 1; plus strand). Cytogenetic location: 19q13.2.
Variant type: single nucleotide variant.
Coding change: c.5408C>T on transcript NM_000540.3 (MANE Select); coding-DNA position 5408, C replaced by T.
Protein change: p.Pro1803Leu; replaces proline 1803 with leucine.
Molecular consequence: missense variant.
Genome position (GRCh38, 1-based): chr19:38,486,063, C>T. VCF-style: chr19-38486063-C-T. GRCh37 (hg19) VCF-style: chr19-38976703-C-T.
Other names: c.5408C>T, p.Pro1803Leu (NM_001042723.2); short protein forms P1803L.
Identifiers: ClinVar variation 3072457 (VCV003072457.1), dbSNP rs778017724, ClinGen allele CA067071.